The following is an entry in ClinVar:

ClinVar aggregate classification (germline): Pathogenic (1 of 4 stars; one submission).

Submission:

GeneDx
Classification: Pathogenic. Last evaluated: 2023-09-05. Review status: criteria provided, single submitter. Criteria: GeneDx Variant Classification Process June 2021. Collection method: clinical testing. Allele origin: germline. Affected: yes.
Comment: Canonical splice site variant predicted to result in an in-frame loss of the adjacent exon in a gene for which loss of function is a known mechanism of disease; Not observed at significant frequency in large population cohorts (gnomAD); This variant is associated with the following publications: (PMID: 31831576, 31060108)

NM_000278.5(PAX2):c.410+1G>A

Gene: PAX2 (paired box 2; plus strand). Cytogenetic location: 10q24.31.
Variant type: single nucleotide variant.
Coding change: c.410+1G>A on transcript NM_000278.5 (MANE Select); the canonical splice donor site of the intron after coding-DNA position 410, G replaced by A.
Molecular consequence: splice donor variant.
Genome position (GRCh38, 1-based): chr10:100,750,892, G>A. VCF-style: chr10-100750892-G-A. GRCh37 (hg19) VCF-style: chr10-102510649-G-A.
Other names: c.503+1G>A (NM_001304569.2); c.410+1G>A (NM_003987.5, NM_003990.5, NM_003988.5 and 1 more transcripts).
Identifiers: ClinVar variation 3340714 (VCV003340714.1).